The following is an entry in ClinVar:

NM_005188.4(CBL):c.987T>G (p.Ile329Met)

Gene: CBL (Cbl proto-oncogene; plus strand). Cytogenetic location: 11q23.3.
Variant type: single nucleotide variant.
Coding change: c.987T>G on transcript NM_005188.4 (MANE Select); coding-DNA position 987, T replaced by G.
Protein change: p.Ile329Met; replaces isoleucine 329 with methionine.
Molecular consequence: missense variant.
Genome position (GRCh38, 1-based): chr11:119,276,114, T>G. VCF-style: chr11-119276114-T-G. GRCh37 (hg19) VCF-style: chr11-119146824-T-G.
Other names: short protein forms I329M.
Identifiers: ClinVar variation 4219888 (VCV004219888.1).
Genomic context (GRCh38, chr11:119,276,114, plus strand): 5'-TGCTGATGGGAACATTCTCCAGACAATCCCTCACAATAAACCTCTCTTCCAAGCACTGAT[T>G]GATGGCTTCAGGGAAGGCTTGTGAGTACCTACTGCATACCATCTGTTAGAGTCTGGGAAC-3'
Protein context (NP_005179.2, residues 319-339): PHNKPLFQAL[Ile329Met]DGFREGFYLF

ClinVar aggregate classification (germline): Uncertain significance (1 of 4 stars; one submission).

Conditions:
Cardiovascular phenotype. Identifiers: MedGen CN230736.

Submission:

Ambry Genetics
Classification: Uncertain significance for Cardiovascular phenotype. Last evaluated: 2025-08-02. Review status: criteria provided, single submitter. Criteria: Ambry Variant Classification Scheme 2023. Collection method: clinical testing. Allele origin: germline.
Comment: The p.I329M variant (also known as c.987T>G), located in coding exon 6 of the CBL gene, results from a T to G substitution at nucleotide position 987. The isoleucine at codon 329 is replaced by methionine, an amino acid with highly similar properties. This amino acid position is conserved. In addition, the in silico prediction for this alteration is inconclusive. Based on the available evidence, the clinical significance of this variant remains unclear.